The following is an entry in ClinVar:

NM_002691.4(POLD1):c.2967G>T (p.Thr989=)

Gene: POLD1 (DNA polymerase delta 1, catalytic subunit; plus strand). Cytogenetic location: 19q13.33.
Variant type: single nucleotide variant.
Coding change: c.2967G>T on transcript NM_002691.4 (MANE Select); coding-DNA position 2967, G replaced by T.
Protein change: p.Thr989=; no amino-acid change (threonine 989 retained).
Molecular consequence: synonymous variant. On other transcripts: non-coding transcript variant (1).
Genome position (GRCh38, 1-based): chr19:50,416,623, G>T. VCF-style: chr19-50416623-G-T. GRCh37 (hg19) VCF-style: chr19-50919880-G-T.
Other names: c.2967G>T, p.Thr989= (NM_001256849.1); c.3045G>T, p.Thr1015= (NM_001308632.1).
Identifiers: ClinVar variation 386809 (VCV000386809.14), dbSNP rs3218752, ClinGen allele CA9596716.

ClinVar aggregate classification (germline): Likely benign. Review status: criteria provided, multiple submitters, no conflicts (2 of 4 stars). 3 submissions from 3 submitters: Likely benign (3). Last evaluated 2025-10-27.

Conditions:
Hereditary cancer-predisposing syndrome. Also called: Neoplastic Syndromes, Hereditary; Hereditary neoplastic syndrome; Hereditary Cancer Syndrome; Tumor predisposition. Identifiers: Orphanet 140162, MedGen C0027672, MeSH D009386, MONDO:0015356.
POLD1-related polyposis and colorectal cancer syndrome (CRCS10). Also called: Colorectal cancer, susceptibility to, 10; Colorectal cancer 10; COLORECTAL CANCER, SUSCEPTIBILITY TO, ON CHROMOSOME 19q. Identifiers: Orphanet 220460, MedGen C2675481, MONDO:0012953, OMIM 612591.

gnomAD v4.1: 3 of 1,563,846 alleles (0.00019%); highest among the groups gnomAD compares: Non-Finnish European, 0.00026%; no homozygotes.

Submissions (3):

Labcorp Genetics (formerly Invitae), Labcorp
Classification: Likely benign for POLD1-related polyposis and colorectal cancer syndrome. Last evaluated: 2025-10-27. Review status: criteria provided, single submitter. Criteria: Invitae Variant Classification Sherloc (09022015). Collection method: clinical testing. Allele origin: germline.

Ambry Genetics
Classification: Likely benign for Hereditary cancer-predisposing syndrome. Last evaluated: 2017-11-21. Review status: criteria provided, single submitter. Criteria: Ambry Variant Classification Scheme 2023. Collection method: clinical testing. Allele origin: germline.

GeneDx
Classification: Likely benign. Last evaluated: 2016-06-03. Review status: criteria provided, single submitter. Criteria: GeneDx Variant Classification (06012015). Collection method: clinical testing. Allele origin: germline. Affected: yes.
Comment: This variant is considered likely benign or benign based on one or more of the following criteria: it is a conservative change, it occurs at a poorly conserved position in the protein, it is predicted to be benign by multiple in silico algorithms, and/or has population frequency not consistent with disease.